The following is an entry in ClinVar:

NM_001365308.1(BMPER):c.842G>A (p.Gly281Asp)

Gene: BMPER (BMP binding endothelial regulator; plus strand). Cytogenetic location: 7p14.3.
Variant type: single nucleotide variant.
Coding change: c.842G>A on transcript NM_001365308.1 (MANE Select); coding-DNA position 842, G replaced by A.
Protein change: p.Gly281Asp; replaces glycine 281 with aspartic acid.
Molecular consequence: missense variant.
Genome position (GRCh38, 1-based): chr7:34,055,218, G>A. VCF-style: chr7-34055218-G-A. GRCh37 (hg19) VCF-style: chr7-34094830-G-A.
Other names: c.842G>A, p.Gly281Asp (NM_001410872.1, NM_133468.5); short protein forms G281D.
Identifiers: ClinVar variation 2013284 (VCV002013284.4), dbSNP rs1788251146, ClinGen allele CA367257806.

ClinVar aggregate classification (germline): Uncertain significance (1 of 4 stars; one submission).

Allele frequency attached by ClinVar (database versions not stated): gnomAD exomes below 0.00001; gnomAD 0.00001.
gnomAD v4.1: 4 of 1,614,032 alleles (0.00025%); highest among the groups gnomAD compares: South Asian, 0.0044%; no homozygotes.

Submission:

Labcorp Genetics (formerly Invitae), Labcorp
Classification: Uncertain significance. Last evaluated: 2022-07-02. Review status: criteria provided, single submitter. Criteria: Invitae Variant Classification Sherloc (09022015). Collection method: clinical testing. Allele origin: germline.
Comment: In summary, the available evidence is currently insufficient to determine the role of this variant in disease. Therefore, it has been classified as a Variant of Uncertain Significance. Algorithms developed to predict the effect of missense changes on protein structure and function output the following: SIFT: "Tolerated"; PolyPhen-2: "Benign"; Align-GVGD: "Class C0". The aspartic acid amino acid residue is found in multiple mammalian species, which suggests that this missense change does not adversely affect protein function. This variant has not been reported in the literature in individuals affected with BMPER-related conditions. This variant is not present in population databases (gnomAD no frequency). This sequence change replaces glycine, which is neutral and non-polar, with aspartic acid, which is acidic and polar, at codon 281 of the BMPER protein (p.Gly281Asp).